The following is an entry in ClinVar:

ClinVar aggregate classification (germline): Uncertain significance (1 of 4 stars; one submission).

Allele frequency attached by ClinVar (database versions not stated): TOPMed 0.00001.

Submission:

GeneDx
Classification: Uncertain significance. Last evaluated: 2022-06-03. Review status: criteria provided, single submitter. Criteria: GeneDx Variant Classification Process June 2021. Collection method: clinical testing. Allele origin: germline. Affected: yes.
Comment: Not observed at significant frequency in large population cohorts (gnomAD); In silico analysis supports that this missense variant has a deleterious effect on protein structure/function; Has not been previously published as pathogenic or benign to our knowledge

NM_016120.4(RLIM):c.1283C>T (p.Pro428Leu)

Gene: RLIM (ring finger protein, LIM domain interacting; minus strand). Cytogenetic location: Xq13.2.
Variant type: single nucleotide variant.
Coding change: c.1283C>T on transcript NM_016120.4 (MANE Select); coding-DNA position 1283, C replaced by T.
Protein change: p.Pro428Leu; replaces proline 428 with leucine.
Molecular consequence: missense variant.
Genome position (GRCh38, 1-based): chrX:74,592,032, G>A on the plus strand (C>T on the coding strand, the complement: RLIM is on the minus strand). VCF-style: chrX-74592032-G-A. GRCh37 (hg19) VCF-style: chrX-73811867-G-A.
Other names: c.1283C>T, p.Pro428Leu (NM_183353.3); short protein forms P428L.
Identifiers: ClinVar variation 1802093 (VCV001802093.1), dbSNP rs1321549106, ClinGen allele CA413660489.